The following is an entry in ClinVar:

NM_001256627.2(BRSK2):c.1684C>G (p.His562Asp)

Gene: BRSK2 (BR serine/threonine kinase 2; plus strand). Cytogenetic location: 11p15.5.
Variant type: single nucleotide variant.
Coding change: c.1684C>G on transcript NM_001256627.2 (MANE Select); coding-DNA position 1684, C replaced by G.
Protein change: p.His562Asp; replaces histidine 562 with aspartic acid.
Molecular consequence: missense variant. On other transcripts: non-coding transcript variant (1).
Genome position (GRCh38, 1-based): chr11:1,456,363, C>G. VCF-style: chr11-1456363-C-G. GRCh37 (hg19) VCF-style: chr11-1477593-C-G.
Other names: c.1684C>G, p.His562Asp (NM_001256629.2, NM_003957.4); c.1822C>G, p.His608Asp (NM_001256630.1); c.1504C>G, p.His502Asp (NM_001282218.2); short protein forms H502D, H562D, H608D.
Identifiers: ClinVar variation 2636598 (VCV002636598.1), dbSNP rs2539767573, ClinGen allele CA379079355.

ClinVar aggregate classification (germline): Uncertain significance (1 of 4 stars; one submission).

Conditions:
BRSK2-related disorder. Also called: BRSK2-related condition; BRSK2-Related Disorders.

Allele frequency attached by ClinVar (database versions not stated): gnomAD exomes below 0.00001.
gnomAD v4.1: 1 of 1,572,150 alleles (0.000064%); highest among the groups gnomAD compares: Non-Finnish European, 0.000086%; no homozygotes.

Submission:

PreventionGenetics, part of Exact Sciences
Classification: Uncertain significance for BRSK2-related condition. Last evaluated: 2023-09-18. Review status: criteria provided, single submitter. Criteria: ACMG Guidelines, 2015. Collection method: clinical testing. Allele origin: germline.
Comment: The BRSK2 c.1684C>G variant is predicted to result in the amino acid substitution p.His562Asp. To our knowledge, this variant has not been reported in the literature or in a large population database, indicating this variant is rare. At this time, the clinical significance of this variant is uncertain due to the absence of conclusive functional and genetic evidence.